The following is an entry in ClinVar:

NM_001198950.3(MYO16):c.4051+7C>T

Gene: MYO16 (myosin XVI; plus strand). Cytogenetic location: 13q33.3.
Variant type: single nucleotide variant.
Coding change: c.4051+7C>T on transcript NM_001198950.3 (MANE Select); 7 bases into the intron after coding-DNA position 4051, C replaced by T.
Molecular consequence: intron variant.
Genome position (GRCh38, 1-based): chr13:109,127,557, C>T. VCF-style: chr13-109127557-C-T. GRCh37 (hg19) VCF-style: chr13-109779905-C-T.
Other names: c.3985+7C>T (NM_015011.3).
Identifiers: ClinVar variation 776808 (VCV000776808.6), dbSNP rs114927377, ClinGen allele CA7045582.

ClinVar aggregate classification (germline): Benign. Review status: criteria provided, single submitter (1 of 4 stars). 2 submissions from 2 submitters: Benign (1). 1 of the submissions does not count toward it. Last evaluated 2019-12-31.

Conditions:
MYO16-related disorder. Also called: MYO16-related condition.

Allele frequency attached by ClinVar (database versions not stated): gnomAD exomes 0.00112 and 0.00272; ExAC 0.00344; 1000 Genomes Project 0.01038; gnomAD 0.01079 and 0.01150; ESP Exome Variant Server 0.01124; TOPMed 0.01203; 1000 Genomes Project 30x 0.01218.
gnomAD v4.1: 3,326 of 1,607,594 alleles (0.21%); highest among the groups gnomAD compares: African/African-American, 3.7%; 65 homozygotes.

Submissions (2):

Labcorp Genetics (formerly Invitae), Labcorp
Classification: Benign. Last evaluated: 2019-12-31. Review status: criteria provided, single submitter. Criteria: Invitae Variant Classification Sherloc (09022015). Collection method: clinical testing. Allele origin: germline.

PreventionGenetics, part of Exact Sciences
Classification: Benign for MYO16-related condition. Last evaluated: 2019-03-26. Review status: no assertion criteria provided. Collection method: clinical testing. Allele origin: germline. Not counted in ClinVar's aggregate classification.
Comment: This variant is classified as benign based on ACMG/AMP sequence variant interpretation guidelines (Richards et al. 2015 PMID: 25741868, with internal and published modifications).